The following is an entry in ClinVar:

NM_000238.4(KCNH2):c.100G>A (p.Ala34Thr)

Gene: KCNH2 (potassium voltage-gated channel subfamily H member 2; minus strand). Cytogenetic location: 7q36.1.
Variant type: single nucleotide variant.
Coding change: c.100G>A on transcript NM_000238.4 (MANE Select); coding-DNA position 100, G replaced by A.
Protein change: p.Ala34Thr; replaces alanine 34 with threonine.
Molecular consequence: missense variant. On other transcripts: 5 prime UTR variant (1), non-coding transcript variant (1).
Genome position (GRCh38, 1-based): chr7:150,974,918, C>T on the plus strand (G>A on the coding strand, the complement: KCNH2 is on the minus strand). VCF-style: chr7-150974918-C-T. GRCh37 (hg19) VCF-style: chr7-150672006-C-T.
Other names: c.-78G>A (NM_001406755.1); c.100G>A, p.Ala34Thr (NM_172056.3); short protein forms A34T.
Identifiers: ClinVar variation 4685611 (VCV004685611.1).

ClinVar aggregate classification (germline): Uncertain significance (1 of 4 stars; one submission).

gnomAD v4.1: 5 of 1,608,542 alleles (0.00031%); highest among the groups gnomAD compares: Non-Finnish European, 0.00042%; no homozygotes.

Submission:

ARUP Laboratories, Molecular Genetics and Genomics, ARUP Laboratories
Classification: Uncertain significance. Last evaluated: 2024-12-10. Review status: criteria provided, single submitter. Criteria: ARUP Molecular Germline Variant Investigation Process 2024. Collection method: clinical testing. Allele origin: germline.
Comment: The KCNH2 c.100G>A; p.Ala34Thr variant (rs1481808066), to our knowledge, is not reported in the medical literature or gene specific databases. This variant is only observed on one allele in the Genome Aggregation Database(v2.1.1), indicating it is not a common polymorphism. Computational analyses predict that this variant is deleterious (REVEL: 0.918). Due to limited information, the clinical significance of this variant is uncertain at this time.